The following is an entry in ClinVar:

NM_005204.4(MAP3K8):c.630C>T (p.Gly210=)

Gene: MAP3K8 (mitogen-activated protein kinase kinase kinase 8; plus strand). Cytogenetic location: 10p11.23.
Variant type: single nucleotide variant.
Coding change: c.630C>T on transcript NM_005204.4 (MANE Select); coding-DNA position 630, C replaced by T.
Protein change: p.Gly210=; no amino-acid change (glycine 210 retained).
Molecular consequence: synonymous variant.
Genome position (GRCh38, 1-based): chr10:30,450,383, C>T. VCF-style: chr10-30450383-C-T. GRCh37 (hg19) VCF-style: chr10-30739312-C-T.
Other names: c.630C>T, p.Gly210= (NM_001244134.1, NM_001320961.2).
Identifiers: ClinVar variation 1388141 (VCV001388141.9), dbSNP rs377297760, ClinGen allele CA5459705.

ClinVar aggregate classification (germline): Uncertain significance (1 of 4 stars; one submission).

Allele frequency attached by ClinVar (database versions not stated): ESP Exome Variant Server 0.00008; gnomAD 0.00009 and 0.00010; TOPMed 0.00009.
gnomAD v4.1: 123 of 1,613,918 alleles (0.0076%); highest among the groups gnomAD compares: Non-Finnish European, 0.0097%; no homozygotes.

Submissions (2):

Labcorp Genetics (formerly Invitae), Labcorp
Classification: Uncertain significance. Last evaluated: 2026-01-19. Review status: criteria provided, single submitter. Criteria: Invitae Variant Classification Sherloc (09022015). Collection method: clinical testing. Allele origin: germline.
Comment: This sequence change affects codon 210 of the MAP3K8 mRNA. It is a 'silent' change, meaning that it does not change the encoded amino acid sequence of the MAP3K8 protein. This variant is present in population databases (rs377297760, gnomAD 0.008%). This variant has not been reported in the literature in individuals affected with MAP3K8-related conditions. ClinVar contains an entry for this variant (Variation ID: 1388141). Algorithms developed to predict the effect of sequence changes on RNA splicing suggest that this variant may disrupt the consensus splice site. In summary, the available evidence is currently insufficient to determine the role of this variant in disease. Therefore, it has been classified as a Variant of Uncertain Significance.

Dr. Peter K. Rogan Lab, Western University
No classification provided (evidence only). Condition: Nonpapillary renal cell carcinoma. Review status: no classification provided. Collection method: in vitro. Allele origin: not applicable. Functional consequence: retained intron. Not counted in ClinVar's aggregate classification.